The following is an entry in ClinVar:

ClinVar aggregate classification (germline): Uncertain significance. Review status: criteria provided, multiple submitters, no conflicts (2 of 4 stars). 2 submissions from 2 submitters: Uncertain significance (2). Last evaluated 2024-08-21.

Conditions:
Inborn genetic diseases. Identifiers: MedGen C0950123, MeSH D030342.
Charcot-Marie-Tooth disease type 4. Also called: Charcot-Marie-Tooth disease, type IV; Charcot-Marie-Tooth, Type 4. Identifiers: Orphanet 64749, MedGen C4082197, MONDO:0018995.

gnomAD v4.1: 1 of 1,614,012 alleles (0.000062%); highest among the groups gnomAD compares: Non-Finnish European, 0.000085%; no homozygotes.

Submissions (2):

Ambry Genetics
Classification: Uncertain significance for Inborn genetic diseases. Last evaluated: 2024-08-21. Review status: criteria provided, single submitter. Criteria: Ambry Variant Classification Scheme 2023. Collection method: clinical testing. Allele origin: germline.

Labcorp Genetics (formerly Invitae), Labcorp
Classification: Uncertain significance for Charcot-Marie-Tooth disease type 4. Last evaluated: 2021-09-01. Review status: criteria provided, single submitter. Criteria: Invitae Variant Classification Sherloc (09022015). Collection method: clinical testing. Allele origin: germline.
Comment: This sequence change replaces glycine with cysteine at codon 25 of the NDRG1 protein (p.Gly25Cys). The glycine residue is weakly conserved and there is a large physicochemical difference between glycine and cysteine. This variant is not present in population databases (ExAC no frequency). This variant has not been reported in the literature in individuals affected with NDRG1-related conditions. Algorithms developed to predict the effect of missense changes on protein structure and function (SIFT, PolyPhen-2, Align-GVGD) all suggest that this variant is likely to be tolerated. In summary, the available evidence is currently insufficient to determine the role of this variant in disease. Therefore, it has been classified as a Variant of Uncertain Significance.

NM_006096.4(NDRG1):c.73G>T (p.Gly25Cys)

Gene: NDRG1 (N-myc downstream regulated 1; minus strand). Cytogenetic location: 8q24.22.
Variant type: single nucleotide variant.
Coding change: c.73G>T on transcript NM_006096.4 (MANE Select); coding-DNA position 73, G replaced by T.
Protein change: p.Gly25Cys; replaces glycine 25 with cysteine.
Molecular consequence: missense variant. On other transcripts: 5 prime UTR variant (2), intron variant (1).
Genome position (GRCh38, 1-based): chr8:133,280,258, C>A on the plus strand (G>T on the coding strand, the complement: NDRG1 is on the minus strand). VCF-style: chr8-133280258-C-A. GRCh37 (hg19) VCF-style: chr8-134292501-C-A.
Other names: c.73G>T, p.Gly25Cys (NM_001135242.2, NM_001374844.1, NM_001374845.1 and 1 more transcripts); c.-65G>T (NM_001258433.2); c.-126G>T (NM_001374847.1); c.-99-15606G>T (NM_001258432.2); short protein forms G25C.
Identifiers: ClinVar variation 935228 (VCV000935228.8), dbSNP rs377527660, ClinGen allele CA372248086.
Genomic context (GRCh38, chr8:133,280,258, plus strand): 5'-AGGAAGGGGAAGGAAAGCCACATCCTCTACTTGCCTGGACATCAAACTCTTGCAGGAGGC[C>A]GGTGATGGTCTGTGAAAAGACAAAAAAAATTGTCAATTTCATCTGTTTTCTCTGTAAGAG-3'
Protein context (NP_006087.2, residues 15-35): PLVEKGETIT[Gly25Cys]LLQEFDVQEQ